The following is an entry in ClinVar:

NC_000020.10:g.(?_42814947)_(42815345_?)dup

Gene: JPH2 (junctophilin 2; minus strand). Cytogenetic location: 20q13.12.
Variant type: Duplication.
Identifiers: ClinVar variation 1430349 (VCV001430349.4).

ClinVar aggregate classification (germline): Uncertain significance (1 of 4 stars; one submission).

Conditions:
Hypertrophic cardiomyopathy. Also called: HYPERTROPHIC MYOCARDIOPATHY. Identifiers: Orphanet 217569, MedGen C0007194, MeSH D002312, MONDO:0005045, HP:0001639.

Submission:

Labcorp Genetics (formerly Invitae), Labcorp
Classification: Uncertain significance for Hypertrophic cardiomyopathy. Last evaluated: 2022-07-19. Review status: criteria provided, single submitter. Criteria: Invitae Variant Classification Sherloc (09022015). Collection method: clinical testing. Allele origin: germline.
Comment: This variant results in a copy number gain of the genomic region encompassing exon(s) 1 of the JPH2 gene. This region includes the initiator codon of the gene. This copy number gain extends beyond the assayed region for this gene and therefore may encompass additional genes. As the precise location of this event is unknown, it may be in tandem or it may be located elsewhere in the genome. This variant has not been reported in the literature in individuals affected with JPH2-related conditions. Experimental studies and prediction algorithms are not available or were not evaluated, and the functional significance of this variant is currently unknown. In summary, the available evidence is currently insufficient to determine the role of this variant in disease. Therefore, it has been classified as a Variant of Uncertain Significance.